The following is an entry in ClinVar:

ClinVar aggregate classification (germline): Uncertain significance (1 of 4 stars; one submission).

Conditions:
Primary ciliary dyskinesia. Also called: Ciliary dyskinesia. Identifiers: Orphanet 244, MedGen C0008780, MONDO:0016575, HP:0012265.

Allele frequency attached by ClinVar (database versions not stated): gnomAD 0.00001; gnomAD exomes 0.00001; ExAC 0.00004; 1000 Genomes Project 30x 0.00031; 1000 Genomes Project 0.00040.
gnomAD v4.1: 13 of 1,578,602 alleles (0.00082%); highest among the groups gnomAD compares: South Asian, 0.016%; no homozygotes.

Submission:

Labcorp Genetics (formerly Invitae), Labcorp
Classification: Uncertain significance for Primary ciliary dyskinesia. Last evaluated: 2022-02-18. Review status: criteria provided, single submitter. Criteria: Invitae Variant Classification Sherloc (09022015). Collection method: clinical testing. Allele origin: germline.
Comment: This sequence change falls in intron 67 of the DNAH11 gene. It does not directly change the encoded amino acid sequence of the DNAH11 protein. It affects a nucleotide within the consensus splice site. This variant is present in population databases (rs565942670, gnomAD 0.02%). This variant has not been reported in the literature in individuals affected with DNAH11-related conditions. Variants that disrupt the consensus splice site are a relatively common cause of aberrant splicing (PMID: 17576681, 9536098). Algorithms developed to predict the effect of sequence changes on RNA splicing suggest that this variant may create or strengthen a splice site. In summary, the available evidence is currently insufficient to determine the role of this variant in disease. Therefore, it has been classified as a Variant of Uncertain Significance.

Literature cited by the submitters: PubMed 17576681; PubMed 9536098.

NM_001277115.2(DNAH11):c.11061+4G>A

Gene: DNAH11 (dynein axonemal heavy chain 11; plus strand). Cytogenetic location: 7p15.3.
Variant type: single nucleotide variant.
Coding change: c.11061+4G>A on transcript NM_001277115.2 (MANE Select); 4 bases into the intron after coding-DNA position 11061, G replaced by A.
Molecular consequence: intron variant.
Genome position (GRCh38, 1-based): chr7:21,852,635, G>A. VCF-style: chr7-21852635-G-A. GRCh37 (hg19) VCF-style: chr7-21892253-G-A.
Identifiers: ClinVar variation 1896183 (VCV001896183.2), dbSNP rs565942670, ClinGen allele CA4182586.